The following is an entry in ClinVar:

NM_006767.4(LZTR1):c.1644_1646del (p.Met548_Asp549delinsIle)

Gene: LZTR1 (leucine zipper like post translational regulator 1; plus strand). Cytogenetic location: 22q11.21.
Variant type: Deletion.
Coding change: c.1644_1646del on transcript NM_006767.4 (MANE Select); coding-DNA positions 1644 to 1646, 3 bases deleted (GGA; older notation c.1644_1646delGGA).
Protein change: p.Met548_Asp549delinsIle.
Molecular consequence: inframe indel.
Genome position (GRCh38, 1-based): chr22:20,994,586-20,994,588, GGA deleted. VCF-style (leftmost placement, unchanged base first): chr22-20994585-TGGA-T. GRCh37 (hg19) VCF-style: chr22-21348874-TGGA-T.
Identifiers: ClinVar variation 4859375 (VCV004859375.1).

ClinVar aggregate classification (germline): Uncertain significance (1 of 4 stars; one submission).

Conditions:
Cardiovascular phenotype. Identifiers: MedGen CN230736.
Hereditary cancer-predisposing syndrome. Also called: Neoplastic Syndromes, Hereditary; Tumor predisposition; Hereditary Cancer Syndrome; Hereditary neoplastic syndrome. Identifiers: Orphanet 140162, MedGen C0027672, MeSH D009386, MONDO:0015356.

Submission:

Ambry Genetics
Classification: Uncertain significance for Cardiovascular phenotype; Hereditary cancer-predisposing syndrome. Last evaluated: 2026-04-02. Review status: criteria provided, single submitter. Criteria: Ambry Variant Classification Scheme 2023. Collection method: clinical testing. Allele origin: germline.
Comment: The c.1644_1646delGGA variant (also known as p.M548_D549delinsI) is located in coding exon 15 of the LZTR1 gene. This variant results from an in-frame GGA deletion at nucleotide positions 1644 to 1646. This results in the deletion of 2 amino acids (MD) and the insertion of a single amino acid (I) at codons 548 and 549. These amino acid positions are highly conserved in available vertebrate species. In addition, this variant is predicted to be deleterious by in silico analysis (Choi Y et al. PLoS ONE. 2012; 7(10):e46688). Based on the available evidence, the clinical significance of this variant remains unclear.